The following is an entry in ClinVar:

ClinVar aggregate classification (germline): Uncertain significance (1 of 4 stars; one submission).

Conditions:
Joubert syndrome. Also called: CEREBELLOPARENCHYMAL DISORDER IV; JOUBERT-BOLTSHAUSER SYNDROME; Familial aplasia of the vermis. Identifiers: Orphanet 475, MedGen C5979921, MONDO:0018772.

Allele frequency attached by ClinVar (database versions not stated): gnomAD exomes below 0.00001.
gnomAD v4.1: 1 of 1,613,792 alleles (0.000062%); highest among the groups gnomAD compares: South Asian, 0.0011%; no homozygotes.

Submission:

Labcorp Genetics (formerly Invitae), Labcorp
Classification: Uncertain significance for Joubert syndrome. Last evaluated: 2022-08-23. Review status: criteria provided, single submitter. Criteria: Invitae Variant Classification Sherloc (09022015). Collection method: clinical testing. Allele origin: germline.
Comment: This sequence change replaces valine, which is neutral and non-polar, with isoleucine, which is neutral and non-polar, at codon 371 of the AHI1 protein (p.Val371Ile). This variant is not present in population databases (gnomAD no frequency). This variant has not been reported in the literature in individuals affected with AHI1-related conditions. Advanced modeling of protein sequence and biophysical properties (such as structural, functional, and spatial information, amino acid conservation, physicochemical variation, residue mobility, and thermodynamic stability) performed at Invitae indicates that this missense variant is not expected to disrupt AHI1 protein function. In summary, the available evidence is currently insufficient to determine the role of this variant in disease. Therefore, it has been classified as a Variant of Uncertain Significance.

NM_001134831.2(AHI1):c.1111G>A (p.Val371Ile)

Gene: AHI1 (Abelson helper integration site 1; minus strand). Cytogenetic location: 6q23.3.
Variant type: single nucleotide variant.
Coding change: c.1111G>A on transcript NM_001134831.2 (MANE Select); coding-DNA position 1111, G replaced by A.
Protein change: p.Val371Ile; replaces valine 371 with isoleucine.
Molecular consequence: missense variant.
Genome position (GRCh38, 1-based): chr6:135,457,534, C>T on the plus strand (G>A on the coding strand, the complement: AHI1 is on the minus strand). VCF-style: chr6-135457534-C-T. GRCh37 (hg19) VCF-style: chr6-135778672-C-T.
Other names: c.1111G>A, p.Val371Ile (NM_001134830.2, NM_001134832.2, NM_001350503.2 and 2 more transcripts); short protein forms V371I.
Identifiers: ClinVar variation 1946244 (VCV001946244.2), dbSNP rs1789168406, ClinGen allele CA365747658.